The following is an entry in ClinVar:

NC_000004.11:g.(?_55124936)_(55161473_?)dup

Gene: PDGFRA (platelet derived growth factor receptor alpha; plus strand). Cytogenetic location: 4q12.
Variant type: Duplication.
Identifiers: ClinVar variation 2425530 (VCV002425530.10).

ClinVar aggregate classification (germline): Uncertain significance (1 of 4 stars; one submission).

Conditions:
Gastrointestinal stromal tumor. Also called: Gastrointestinal stroma tumor; Gastrointestinal stromal tumor, somatic. Identifiers: Orphanet 44890, MedGen C0238198, MeSH D046152, MONDO:0011719, OMIM 606764, HP:0100723.

Submission:

Labcorp Genetics (formerly Invitae), Labcorp
Classification: Uncertain significance for Gastrointestinal stromal tumor. Last evaluated: 2022-08-12. Review status: criteria provided, single submitter. Criteria: Invitae Variant Classification Sherloc (09022015). Collection method: clinical testing. Allele origin: germline.
Comment: A copy number gain of the genomic region encompassing the full coding sequence of the PDGFRA gene has been identified. The boundaries of this event are unknown as they extend beyond the assayed region for this gene and therefore may encompass additional genes. As the precise location of this event is unknown, it may be in tandem or it may be located elsewhere in the genome. This variant has not been reported in the literature in individuals affected with PDGFRA-related conditions. In summary, the available evidence is currently insufficient to determine the role of this variant in disease. Therefore, it has been classified as a Variant of Uncertain Significance.